The following is an entry in ClinVar:

ClinVar aggregate classification (germline): Uncertain significance (1 of 4 stars; one submission).

Submission:

GeneDx
Classification: Uncertain significance. Last evaluated: 2023-06-30. Review status: criteria provided, single submitter. Criteria: GeneDx Variant Classification Process June 2021. Collection method: clinical testing. Allele origin: germline. Affected: yes.
Comment: Not observed at significant frequency in large population cohorts (gnomAD); In silico analysis supports that this missense variant does not alter protein structure/function; Has not been previously published as pathogenic or benign to our knowledge

NM_014365.3(HSPB8):c.278G>A (p.Gly93Glu)

Gene: HSPB8 (heat shock protein family B (small) member 8; plus strand). Cytogenetic location: 12q24.23.
Variant type: single nucleotide variant.
Coding change: c.278G>A on transcript NM_014365.3 (MANE Select); coding-DNA position 278, G replaced by A.
Protein change: p.Gly93Glu; replaces glycine 93 with glutamic acid.
Molecular consequence: missense variant.
Genome position (GRCh38, 1-based): chr12:119,179,590, G>A. VCF-style: chr12-119179590-G-A. GRCh37 (hg19) VCF-style: chr12-119617395-G-A.
Other names: short protein forms G93E.
Identifiers: ClinVar variation 3360726 (VCV003360726.1).